The following is an entry in ClinVar:

ClinVar aggregate classification (germline): Benign. Review status: criteria provided, multiple submitters, no conflicts (2 of 4 stars). 5 submissions from 3 submitters: Benign (5). Last evaluated 2021-07-01.

Conditions:
Usher syndrome type 1 (USH1). Also called: RETINITIS PIGMENTOSA AND CONGENITAL DEAFNESS. Identifiers: Orphanet 231169, Orphanet 886, MedGen C1568247, MONDO:0010168, OMIM 276900.
Autosomal dominant nonsyndromic hearing loss 11. Identifiers: Orphanet 90635, MedGen C1832475, MONDO:0011032, OMIM 601317.
Autosomal recessive nonsyndromic hearing loss 2. Also called: DEAFNESS, AUTOSOMAL RECESSIVE 2; NEUROSENSORY NONSYNDROMIC RECESSIVE DEAFNESS 2. Identifiers: Orphanet 90636, MedGen C1838701, MONDO:0010807, OMIM 600060.

Allele frequency attached by ClinVar (database versions not stated): 1000 Genomes Project 0.57568; 1000 Genomes Project 30x 0.58448; gnomAD 0.61160 and 0.62425; TOPMed 0.62307.
gnomAD v4.1: 762,321 of 1,399,614 alleles (54%); highest among the groups gnomAD compares: African/African-American, 80%; 212,503 homozygotes.

Submissions (5):

Genome-Nilou Lab
Classification: Benign for Autosomal dominant nonsyndromic hearing loss 11. Last evaluated: 2021-07-01. Review status: criteria provided, single submitter. Criteria: ACMG Guidelines, 2015. Collection method: clinical testing. Allele origin: germline. Affected: no.

Genome-Nilou Lab
Classification: Benign for Autosomal recessive nonsyndromic hearing loss 2. Last evaluated: 2021-07-01. Review status: criteria provided, single submitter. Criteria: ACMG Guidelines, 2015. Collection method: clinical testing. Allele origin: germline. Affected: no.

Genome-Nilou Lab
Classification: Benign for Usher syndrome type 1. Last evaluated: 2021-07-01. Review status: criteria provided, single submitter. Criteria: ACMG Guidelines, 2015. Collection method: clinical testing. Allele origin: germline. Affected: no.

GeneDx
Classification: Benign. Last evaluated: 2018-06-13. Review status: criteria provided, single submitter. Criteria: GeneDx Variant Classification (06012015). Collection method: clinical testing. Allele origin: germline. Affected: yes.
Comment: This variant is considered likely benign or benign based on one or more of the following criteria: it is a conservative change, it occurs at a poorly conserved position in the protein, it is predicted to be benign by multiple in silico algorithms, and/or has population frequency not consistent with disease.

Breakthrough Genomics
Classification: Benign. Review status: criteria provided, single submitter. Criteria: ACMG Guidelines, 2015. Collection method: not provided. Allele origin: germline. Inheritance: Autosomal recessive inheritance. Affected: yes.

NM_000260.4(MYO7A):c.3751-94C>G

Gene: MYO7A (myosin VIIA; plus strand). Cytogenetic location: 11q13.5.
Variant type: single nucleotide variant.
Coding change: c.3751-94C>G on transcript NM_000260.4 (MANE Select); 94 bases into the intron before coding-DNA position 3751, C replaced by G.
Molecular consequence: intron variant.
Genome position (GRCh38, 1-based): chr11:77,190,603, C>G. VCF-style: chr11-77190603-C-G. GRCh37 (hg19) VCF-style: chr11-76901648-C-G.
Other names: c.3751-94C>G (NM_001127180.2); c.3718-94C>G (NM_001369365.1).
Identifiers: ClinVar variation 670360 (VCV000670360.5), dbSNP rs7947922, ClinGen allele CA15693137.
Genomic context (GRCh38, chr11:77,190,603, plus strand): 5'-CACCTGTGACAGGGACAAGCAGTGTCCCAGTGAGGTACTGGGGCCTGGGGTGCTGGGGCA[C>G]CTCCAACCCCACAGAAAGCAGAGAGCCAAAGTCCAGAGGGGCAGGCAGGTCTGAAGGGAA-3'